The following is an entry in ClinVar:

ClinVar aggregate classification (germline): Conflicting classifications of pathogenicity. Review status: criteria provided, conflicting classifications (1 of 4 stars). 8 submissions from 8 submitters: Uncertain significance (6); Likely benign (1). 1 of the submissions does not count toward it. Last evaluated 2026-01-11.

Conditions:
Hereditary nonpolyposis colorectal neoplasms. Identifiers: MedGen C0009405, MeSH D003123.
Breast and/or ovarian cancer. Identifiers: MedGen CN221562.
Hereditary cancer-predisposing syndrome. Also called: Hereditary neoplastic syndrome; Neoplastic Syndromes, Hereditary; Hereditary Cancer Syndrome; Tumor predisposition. Identifiers: Orphanet 140162, MedGen C0027672, MeSH D009386, MONDO:0015356.

Allele frequency attached by ClinVar (database versions not stated): 1000 Genomes Project 30x 0.00016; 1000 Genomes Project 0.00020; gnomAD 0.00001 and 0.00002; ExAC 0.00002; gnomAD exomes 0.00002; TOPMed 0.00003; ESP Exome Variant Server 0.00008.
gnomAD v4.1: 38 of 1,614,184 alleles (0.0024%); highest among the groups gnomAD compares: Non-Finnish European, 0.0032%; no homozygotes.

Submissions (8):

Labcorp Genetics (formerly Invitae), Labcorp
Classification: Uncertain significance for Hereditary nonpolyposis colorectal neoplasms. Last evaluated: 2026-01-11. Review status: criteria provided, single submitter. Criteria: Invitae Variant Classification Sherloc (09022015). Collection method: clinical testing. Allele origin: germline.
Comment: This sequence change replaces asparagine, which is neutral and polar, with aspartic acid, which is acidic and polar, at codon 575 of the PMS2 protein (p.Asn575Asp). This variant is present in population databases (rs142506484, gnomAD 0.004%). This missense change has been observed in individual(s) with breast cancer (PMID: 25980754, 26976419). ClinVar contains an entry for this variant (Variation ID: 127766). Invitae Evidence Modeling incorporating data from in vitro experimental studies (internal data) indicates that this missense variant is not expected to disrupt PMS2 function with a negative predictive value of 95%. In summary, the available evidence is currently insufficient to determine the role of this variant in disease. Therefore, it has been classified as a Variant of Uncertain Significance.

Quest Diagnostics Nichols Institute San Juan Capistrano
Classification: Uncertain significance. Last evaluated: 2025-04-03. Review status: criteria provided, single submitter. Criteria: Quest Diagnostics criteria. Collection method: clinical testing. Allele origin: unknown.
Comment: The PMS2 c.1723A>G (p.Asn575Asp) variant has been reported in the published literature with another VUS variant PMS2: c.2386G>A (p.Val796Ile) in individuals with lynch syndrome (PMID: 25980754 (2015)), colorectal cancer (PMID: 27978560 (2016)), and breast and/or ovarian cancer (PMID: 26976419 (2016), 32885271 (2021)). The frequency of this variant in the general population (Genome Aggregation Database) is uninformative in the assessment of its pathogenicity. Analysis of this variant using bioinformatics tools for the prediction of the effect of amino acid changes on protein structure and function yielded predictions that this variant is benign. Based on the available information, we are unable to determine the clinical significance of this variant.

GeneDx
Classification: Uncertain significance. Last evaluated: 2024-08-06. Review status: criteria provided, single submitter. Criteria: GeneDx Variant Classification Process June 2021. Collection method: clinical testing. Allele origin: germline. Affected: yes.
Comment: In silico analysis indicates that this missense variant does not alter protein structure/function; This variant is associated with the following publications: (PMID: 26976419, 27978560, 25980754)

Color Diagnostics, LLC DBA Color Health
Classification: Uncertain significance for Hereditary cancer-predisposing syndrome. Last evaluated: 2024-05-24. Review status: criteria provided, single submitter. Criteria: ACMG Guidelines, 2015. Collection method: clinical testing. Allele origin: germline.
Comment: This missense variant replaces asparagine with aspartic acid at codon 575 of the PMS2 protein. Computational prediction suggests that this variant may not impact protein structure and function. To our knowledge, functional studies have not been reported for this variant. This variant has been reported in an individual affected with colorectal cancer with tumor histopathology determined to be MMR-proficient (PMID: 27978560), an individual affected with Lynch syndrome associated cancer and/or polyps (PMID: 25980754), and an individual affected with breast cancer (PMID: 26976419). All three affected individuals also have a PMS2 covariant c.2386G>A (p.Val796Ile) (PMID: 25980754, 26976419, 27978560). This variant has been identified in 5/251350 chromosomes in the general population by the Genome Aggregation Database (gnomAD). The available evidence is insufficient to determine the role of this variant in disease conclusively. Therefore, this variant is classified as a Variant of Uncertain Significance.

Ambry Genetics
Classification: Likely benign for Hereditary cancer-predisposing syndrome. Last evaluated: 2024-01-02. Review status: criteria provided, single submitter. Criteria: Ambry Variant Classification Scheme 2023. Collection method: clinical testing. Allele origin: germline.

Women's Health and Genetics/Laboratory Corporation of America, LabCorp
Classification: Uncertain significance. Last evaluated: 2023-08-14. Review status: criteria provided, single submitter. Criteria: LabCorp Variant Classification Summary - May 2015. Collection method: clinical testing. Allele origin: germline.
Comment: Variant summary: PMS2 c.1723A>G (p.Asn575Asp) results in a conservative amino acid change in the encoded protein sequence. Five of five in-silico tools predict a benign effect of the variant on protein function. The variant allele was found at a frequency of 2e-05 in 251350 control chromosomes. The available data on variant occurrences in the general population are insufficient to allow any conclusion about variant significance. c.1723A>G has been reported in the literature with another VUS variant PMS2: c.2386G>A (p.Val796Ile) in individuals affected with Lynch Syndrome or early-onset colorectal cancer without strong evidence for causality (example, Tung_2016, Yurgelun_2015, Pearlman_2017). These report(s) do not provide unequivocal conclusions about association of the variant with Lynch Syndrome. To our knowledge, no experimental evidence demonstrating an impact on protein function has been reported. The following publications have been ascertained in the context of this evaluation (PMID: 27978560, 26976419, 25980754). Five submitters have cited clinical-significance assessments for this variant to ClinVar after 2014 (VUS n=4, Likely benign n=1). Based on the evidence outlined above, the variant was classified as uncertain significance.

CHEO Genetics Diagnostic Laboratory, Children's Hospital of Eastern Ontario
Classification: Uncertain significance for Breast and/or ovarian cancer. Last evaluated: 2022-08-24. Review status: criteria provided, single submitter. Criteria: ACMG Guidelines, 2015. Collection method: clinical testing. Allele origin: germline.

Department of Pathology and Laboratory Medicine, Sinai Health System
Classification: Uncertain significance. Review status: no assertion criteria provided. Collection method: clinical testing. Allele origin: unknown. Affected: yes. Observed: 1 variant allele. Study: The Canadian Open Genetics Repository (COGR). Not counted in ClinVar's aggregate classification.
Comment: The PMS2 p.Asn575Asp variant was identified in 2 of 1876 proband chromosomes (frequency: 0.001) from individuals or families with breast or colon cancer (Pearlman 2017, Tung 2016). The variant was also identified in dbSNP (ID: rs142506484) as "With Uncertain significance allele", and in ClinVar (classified as uncertain significance GeneDx, Ambry Genetics and Invitae). The variant was not identified COGR, Cosmic, Zhejiang University Database, Mismatch Repair Genes Variant Database, or Insight Hereditary Tumors databases. The variant was identified in control databases in 4 of 246168 chromosomes at a frequency of 0.00002 (Genome Aggregation Database Feb 27, 2017). The variant was observed in the European population in 4 of 111660 chromosomes (freq: 0.00004), while the variant was not observed in the African, Other, Latino, Ashkenazi Jewish, East Asian, Finnish, or South Asian populations. The p.Asn575 residue is conserved in in mammals but not in more distantly related organisms however computational analyses (PolyPhen-2, SIFT, AlignGVGD, BLOSUM, MutationTaster) do not suggest a high likelihood of impact to the protein; this information is not predictive enough to rule out pathogenicity. The variant occurs outside of the splicing consensus sequence and 2 of 4 in silico or computational prediction software programs (SpliceSiteFinder, MaxEntScan, NNSPLICE, GeneSplicer) predict a greater than 10% difference in splicing; this is not very predictive of pathogenicity. In summary, based on the above information the clinical significance of this variant cannot be determined with certainty at this time. This variant is classified as a variant of uncertain significance.

Literature cited by the submitters: PubMed 25980754 (cited by 5 submitters); PubMed 26976419 (cited by 5 submitters); PubMed 27978560 (cited by 4 submitters); PubMed 32885271 (cited by Quest Diagnostics Nichols Institute San Juan Capistrano).

NM_000535.7(PMS2):c.1723A>G (p.Asn575Asp)

Gene: PMS2 (PMS1 homolog 2, mismatch repair system component; minus strand). Cytogenetic location: 7p22.1.
Variant type: single nucleotide variant.
Coding change: c.1723A>G on transcript NM_000535.7 (MANE Select); coding-DNA position 1723, A replaced by G.
Protein change: p.Asn575Asp; replaces asparagine 575 with aspartic acid.
Molecular consequence: missense variant. On other transcripts: non-coding transcript variant (1).
Genome position (GRCh38, 1-based): chr7:5,987,042, T>C on the plus strand (A>G on the coding strand, the complement: PMS2 is on the minus strand). VCF-style: chr7-5987042-T-C. GRCh37 (hg19) VCF-style: chr7-6026673-T-C.
Other names: c.1318A>G, p.Asn440Asp (NM_001322003.2, NM_001322004.2, NM_001322005.2 and 1 more transcripts); c.1567A>G, p.Asn523Asp (NM_001322006.2); c.1405A>G, p.Asn469Asp (NM_001322007.2, NM_001322008.2); c.1162A>G, p.Asn388Asp (NM_001322010.2); c.790A>G, p.Asn264Asp (NM_001322011.2, NM_001322012.2); c.1150A>G, p.Asn384Asp (NM_001322013.2); c.1723A>G, p.Asn575Asp (NM_001322014.2); c.1414A>G, p.Asn472Asp (NM_001322015.2); short protein forms N575D, N264D, N384D, N388D, N523D, N440D, N472D, N469D.
Identifiers: ClinVar variation 127766 (VCV000127766.29), dbSNP rs142506484, ClinGen allele CA010172.